The following is an entry in ClinVar:

ClinVar aggregate classification (germline): Uncertain significance (1 of 4 stars; one submission).

Conditions:
Hereditary cancer-predisposing syndrome. Also called: Hereditary neoplastic syndrome; Neoplastic Syndromes, Hereditary; Tumor predisposition; Hereditary Cancer Syndrome. Identifiers: Orphanet 140162, MedGen C0027672, MeSH D009386, MONDO:0015356.

Submission:

Ambry Genetics
Classification: Uncertain significance for Hereditary cancer-predisposing syndrome. Last evaluated: 2025-08-14. Review status: criteria provided, single submitter. Criteria: Ambry Variant Classification Scheme 2023. Collection method: clinical testing. Allele origin: germline.
Comment: The p.K1026N variant (also known as c.3078A>C), located in coding exon 20 of the RAD50 gene, results from an A to C substitution at nucleotide position 3078. The lysine at codon 1026 is replaced by asparagine, an amino acid with similar properties. This amino acid position is conserved. In addition, this alteration is predicted to be tolerated by in silico analysis. Based on the available evidence, the clinical significance of this variant remains unclear.

NM_005732.4(RAD50):c.3078A>C (p.Lys1026Asn)

Gene: RAD50 (RAD50 double strand break repair protein; plus strand). Cytogenetic location: 5q31.1.
Variant type: single nucleotide variant.
Coding change: c.3078A>C on transcript NM_005732.4 (MANE Select); coding-DNA position 3078, A replaced by C.
Protein change: p.Lys1026Asn; replaces lysine 1026 with asparagine.
Molecular consequence: missense variant.
Genome position (GRCh38, 1-based): chr5:132,616,044, A>C. VCF-style: chr5-132616044-A-C. GRCh37 (hg19) VCF-style: chr5-131951736-A-C.
Other names: short protein forms K1026N.
Identifiers: ClinVar variation 4149732 (VCV004149732.1).